The following is an entry in ClinVar:

ClinVar aggregate classification (germline): Uncertain significance. Review status: criteria provided, multiple submitters, no conflicts (2 of 4 stars). 2 submissions from 2 submitters: Uncertain significance (2). Last evaluated 2025-05-17.

Conditions:
Cardiovascular phenotype. Identifiers: MedGen CN230736.

Allele frequency attached by ClinVar (database versions not stated): gnomAD 0.00001; gnomAD exomes 0.00001; TOPMed 0.00001.
gnomAD v4.1: 21 of 1,550,188 alleles (0.0014%); highest among the groups gnomAD compares: Admixed American, 0.002%; no homozygotes.

Submissions (2):

Ambry Genetics
Classification: Uncertain significance for Cardiovascular phenotype. Last evaluated: 2025-05-17. Review status: criteria provided, single submitter. Criteria: Ambry Variant Classification Scheme 2023. Collection method: clinical testing. Allele origin: germline.

Labcorp Genetics (formerly Invitae), Labcorp
Classification: Uncertain significance. Last evaluated: 2023-12-22. Review status: criteria provided, single submitter. Criteria: Invitae Variant Classification Sherloc (09022015). Collection method: clinical testing. Allele origin: germline.
Comment: This sequence change replaces lysine, which is basic and polar, with glutamic acid, which is acidic and polar, at codon 2010 of the ZNF469 protein (p.Lys2010Glu). This variant is present in population databases (no rsID available, gnomAD 0.002%). This variant has not been reported in the literature in individuals affected with ZNF469-related conditions. Algorithms developed to predict the effect of missense changes on protein structure and function output the following: SIFT: "Not Available"; PolyPhen-2: "Benign"; Align-GVGD: "Not Available". The glutamic acid amino acid residue is found in multiple mammalian species, which suggests that this missense change does not adversely affect protein function. In summary, the available evidence is currently insufficient to determine the role of this variant in disease. Therefore, it has been classified as a Variant of Uncertain Significance.

NM_001367624.2(ZNF469):c.6112A>G (p.Lys2038Glu)

Gene: ZNF469 (zinc finger protein 469; plus strand). Cytogenetic location: 16q24.2.
Variant type: single nucleotide variant.
Coding change: c.6112A>G on transcript NM_001367624.2 (MANE Select); coding-DNA position 6112, A replaced by G.
Protein change: p.Lys2038Glu; replaces lysine 2038 with glutamic acid.
Molecular consequence: missense variant.
Genome position (GRCh38, 1-based): chr16:88,433,582, A>G. VCF-style: chr16-88433582-A-G. GRCh37 (hg19) VCF-style: chr16-88499990-A-G.
Other names: NM_001127464.1:c.6028A>G; short protein forms K2038E.
Identifiers: ClinVar variation 2974976 (VCV002974976.4), dbSNP rs1308603977, ClinGen allele CA397103965.